The following is an entry in ClinVar:

ClinVar aggregate classification (germline): Uncertain significance (1 of 4 stars; one submission).

Submission:

Labcorp Genetics (formerly Invitae), Labcorp
Classification: Uncertain significance. Last evaluated: 2022-07-19. Review status: criteria provided, single submitter. Criteria: Invitae Variant Classification Sherloc (09022015). Collection method: clinical testing. Allele origin: germline.
Comment: This sequence change replaces glycine with cysteine at codon 3374 of the ANK3 protein (p.Gly3374Cys). The glycine residue is weakly conserved and there is a large physicochemical difference between glycine and cysteine. This variant is not present in population databases (gnomAD no frequency). This variant has not been reported in the literature in individuals affected with ANK3-related conditions. ClinVar contains an entry for this variant (Variation ID: 1468843). Algorithms developed to predict the effect of missense changes on protein structure and function are either unavailable or do not agree on the potential impact of this missense change (SIFT: "Not Available"; PolyPhen-2: "Benign"; Align-GVGD: "Not Available"). In summary, the available evidence is currently insufficient to determine the role of this variant in disease. Therefore, it has been classified as a Variant of Uncertain Significance.

NM_020987.5(ANK3):c.10120G>T (p.Gly3374Cys)

Gene: ANK3 (ankyrin 3; minus strand). Cytogenetic location: 10q21.2.
Variant type: single nucleotide variant.
Coding change: c.10120G>T on transcript NM_020987.5 (MANE Select); coding-DNA position 10120, G replaced by T.
Protein change: p.Gly3374Cys; replaces glycine 3374 with cysteine.
Molecular consequence: missense variant. On other transcripts: intron variant (4).
Genome position (GRCh38, 1-based): chr10:60,070,761, C>A on the plus strand (G>T on the coding strand, the complement: ANK3 is on the minus strand). VCF-style: chr10-60070761-C-A. GRCh37 (hg19) VCF-style: chr10-61830519-C-A.
Other names: c.4388-2752G>T (NM_001204403.2); c.4409-2752G>T (NM_001204404.2); c.4406-2752G>T (NM_001320874.2); c.1808-2752G>T (NM_001149.4); short protein forms G3374C.
Identifiers: ClinVar variation 1468843 (VCV001468843.6), dbSNP rs2131969212, ClinGen allele CA377001413.
Genomic context (GRCh38, chr10:60,070,761, plus strand): 5'-CTGTGATGGACTGGTCGTTGTTCCCATTCTGGGCAATTTCATTCTGAGGTGAATCAAGGC[C>A]AAGGCCAAATTCATTATCTTTTCCAGATCCATTACTTTCCAGTTCTTTCTGGTTGGAAGC-3'
Protein context (NP_066267.2, residues 3364-3384): GSGKDNEFGL[Gly3374Cys]LDSPQNEIAQ